The following is an entry in ClinVar:

ClinVar aggregate classification (germline): Uncertain significance (1 of 4 stars; one submission).

Conditions:
Hereditary breast ovarian cancer syndrome. Also called: Hereditary breast and ovarian cancer; Hereditary breast and ovarian cancer syndrome; Breast and ovarian cancer; BRCA1- and BRCA2-Associated Hereditary Breast and Ovarian Cancer; Hereditary breast and/or ovarian cancer syndrome; Hereditary breast and ovarian cancer syndrome (HBOC). Identifiers: Orphanet 145, MedGen C0677776, MeSH D061325, MONDO:0003582. Disease mechanism: loss of function.

gnomAD v4.1: 1 of 1,614,226 alleles (0.000062%); highest among the groups gnomAD compares: Non-Finnish European, 0.000085%; no homozygotes.

Submission:

Labcorp Genetics (formerly Invitae), Labcorp
Classification: Uncertain significance for Hereditary breast ovarian cancer syndrome. Last evaluated: 2025-07-05. Review status: criteria provided, single submitter. Criteria: Invitae Variant Classification Sherloc (09022015). Collection method: clinical testing. Allele origin: germline.
Comment: This sequence change replaces serine, which is neutral and polar, with phenylalanine, which is neutral and non-polar, at codon 1598 of the BRCA1 protein (p.Ser1598Phe). This variant is not present in population databases (gnomAD no frequency). This variant has not been reported in the literature in individuals affected with BRCA1-related conditions. ClinVar contains an entry for this variant (Variation ID: 1446083). Invitae Evidence Modeling of protein sequence and biophysical properties (such as structural, functional, and spatial information, amino acid conservation, physicochemical variation, residue mobility, and thermodynamic stability) indicates that this missense variant is not expected to disrupt BRCA1 protein function with a negative predictive value of 95%. In summary, the available evidence is currently insufficient to determine the role of this variant in disease. Therefore, it has been classified as a Variant of Uncertain Significance.

NM_007294.4(BRCA1):c.4793C>T (p.Ser1598Phe)

Gene: BRCA1 (BRCA1 DNA repair associated; minus strand). Cytogenetic location: 17q21.31.
Variant type: single nucleotide variant.
Coding change: c.4793C>T on transcript NM_007294.4 (MANE Select); coding-DNA position 4793, C replaced by T.
Protein change: p.Ser1598Phe; replaces serine 1598 with phenylalanine.
Molecular consequence: missense variant. On other transcripts: non-coding transcript variant (1).
Genome position (GRCh38, 1-based): chr17:43,071,121, G>A on the plus strand (C>T on the coding strand, the complement: BRCA1 is on the minus strand). VCF-style: chr17-43071121-G-A. GRCh37 (hg19) VCF-style: chr17-41223138-G-A.
Other names: c.4787C>T, p.Ser1596Phe (NM_001407634.1, NM_001407635.1, NM_001407636.1 and 14 more transcripts); c.4784C>T, p.Ser1595Phe (NM_001407644.1, NM_001407645.1); c.4781C>T, p.Ser1594Phe (NM_001407646.1); c.4778C>T, p.Ser1593Phe (NM_001407647.1); c.4736C>T, p.Ser1579Phe (NM_001407648.1); c.4733C>T, p.Ser1578Phe (NM_001407649.1); c.4793C>T, p.Ser1598Phe (NM_001407652.1, NM_001407593.1, NM_001407594.1 and 8 more transcripts); c.4715C>T, p.Ser1572Phe (NM_001407653.1, NM_001407654.1, NM_001407655.1); and 70 more; short protein forms S1551F, S1598F, S1619F, S494F, S1302F, S1429F, S1469F, S1470F.
Identifiers: ClinVar variation 1446083 (VCV001446083.7), dbSNP rs2153837843, ClinGen allele CA10591932.